The following is an entry in ClinVar:

ClinVar aggregate classification (germline): Uncertain significance (1 of 4 stars; one submission).

Conditions:
Very long chain acyl-CoA dehydrogenase deficiency (ACADVLD). Also called: VLCAD Deficiency; Very Long-Chain Acyl-Coenzyme A Dehydrogenase Deficiency. Identifiers: Orphanet 26793, MedGen C3887523, MONDO:0008723, OMIM 201475.

Submission:

Labcorp Genetics (formerly Invitae), Labcorp
Classification: Uncertain significance for Very long chain acyl-CoA dehydrogenase deficiency. Last evaluated: 2022-06-30. Review status: criteria provided, single submitter. Criteria: Invitae Variant Classification Sherloc (09022015). Collection method: clinical testing. Allele origin: germline.
Comment: In summary, the available evidence is currently insufficient to determine the role of this variant in disease. Therefore, it has been classified as a Variant of Uncertain Significance. Algorithms developed to predict the effect of sequence changes on RNA splicing suggest that this variant may disrupt the consensus splice site. This variant has not been reported in the literature in individuals affected with ACADVL-related conditions. This variant is not present in population databases (gnomAD no frequency). This sequence change affects codon 417 of the ACADVL mRNA. It is a 'silent' change, meaning that it does not change the encoded amino acid sequence of the ACADVL protein.

NM_000018.4(ACADVL):c.1251C>T (p.Ile417=)

Gene: ACADVL (acyl-CoA dehydrogenase very long chain; plus strand). Cytogenetic location: 17p13.1.
Variant type: single nucleotide variant.
Coding change: c.1251C>T on transcript NM_000018.4 (MANE Select); coding-DNA position 1251, C replaced by T.
Protein change: p.Ile417=; no amino-acid change (isoleucine 417 retained).
Molecular consequence: synonymous variant.
Genome position (GRCh38, 1-based): chr17:7,223,712, C>T. VCF-style: chr17-7223712-C-T. GRCh37 (hg19) VCF-style: chr17-7127031-C-T.
Other names: c.1185C>T, p.Ile395= (NM_001033859.3); c.1320C>T, p.Ile440= (NM_001270447.2); c.1023C>T, p.Ile341= (NM_001270448.2).
Identifiers: ClinVar variation 2122879 (VCV002122879.4), dbSNP rs2508341618, ClinGen allele CA497694130.